The following is an entry in ClinVar:

NM_001370259.2(MEN1):c.160A>G (p.Ile54Val)

Gene: MEN1 (menin 1; minus strand). Cytogenetic location: 11q13.1.
Variant type: single nucleotide variant.
Coding change: c.160A>G on transcript NM_001370259.2 (MANE Select); coding-DNA position 160, A replaced by G.
Protein change: p.Ile54Val; replaces isoleucine 54 with valine.
Molecular consequence: missense variant. On other transcripts: non-coding transcript variant (4).
Genome position (GRCh38, 1-based): chr11:64,809,950, T>C on the plus strand (A>G on the coding strand, the complement: MEN1 is on the minus strand). VCF-style: chr11-64809950-T-C. GRCh37 (hg19) VCF-style: chr11-64577422-T-C.
Other names: c.160A>G, p.Ile54Val (NM_000244.4, NM_001370251.2, NM_001370260.2 and 20 more transcripts); short protein forms I54V.
Identifiers: ClinVar variation 4859906 (VCV004859906.1).

ClinVar aggregate classification (germline): Uncertain significance (1 of 4 stars; one submission).

Conditions:
Hereditary cancer-predisposing syndrome. Also called: Neoplastic Syndromes, Hereditary; Tumor predisposition; Hereditary Cancer Syndrome; Hereditary neoplastic syndrome. Identifiers: Orphanet 140162, MedGen C0027672, MeSH D009386, MONDO:0015356.

Submission:

Ambry Genetics
Classification: Uncertain significance for Hereditary cancer-predisposing syndrome. Last evaluated: 2026-04-26. Review status: criteria provided, single submitter. Criteria: Ambry Variant Classification Scheme 2023. Collection method: clinical testing. Allele origin: germline.
Comment: The p.I54V variant (also known as c.160A>G), located in coding exon 1 of the MEN1 gene, results from an A to G substitution at nucleotide position 160. The isoleucine at codon 54 is replaced by valine, an amino acid with highly similar properties. This amino acid position is conserved. In addition, this alteration is predicted to be tolerated by in silico analysis. Based on the available evidence, the clinical significance of this variant remains unclear.